The following is an entry in ClinVar:

ClinVar aggregate classification (germline): Uncertain significance. Review status: criteria provided, multiple submitters, no conflicts (2 of 4 stars). 2 submissions from 2 submitters: Uncertain significance (2). Last evaluated 2023-11-07.

Conditions:
Kabuki syndrome. Also called: Kabuki make-up syndrome; NIIKAWA-KUROKI SYNDROME. Identifiers: Orphanet 2322, MedGen C0796004, MONDO:0016512.

Submissions (2):

Labcorp Genetics (formerly Invitae), Labcorp
Classification: Uncertain significance for Kabuki syndrome. Last evaluated: 2023-11-07. Review status: criteria provided, single submitter. Criteria: Invitae Variant Classification Sherloc (09022015). Collection method: clinical testing. Allele origin: germline.
Comment: This sequence change replaces serine, which is neutral and polar, with proline, which is neutral and non-polar, at codon 3149 of the KMT2D protein (p.Ser3149Pro). This variant is not present in population databases (gnomAD no frequency). This variant has not been reported in the literature in individuals affected with KMT2D-related conditions. ClinVar contains an entry for this variant (Variation ID: 1690514). Advanced modeling of protein sequence and biophysical properties (such as structural, functional, and spatial information, amino acid conservation, physicochemical variation, residue mobility, and thermodynamic stability) performed at Invitae indicates that this missense variant is not expected to disrupt KMT2D protein function with a negative predictive value of 95%. In summary, the available evidence is currently insufficient to determine the role of this variant in disease. Therefore, it has been classified as a Variant of Uncertain Significance.

Laboratorio de Genetica e Diagnostico Molecular, Hospital Israelita Albert Einstein
Classification: Uncertain significance. Last evaluated: 2021-12-07. Review status: criteria provided, single submitter. Criteria: ACMG Guidelines, 2015. Collection method: clinical testing. Allele origin: germline. Affected: yes.
Comment: ACMG classification criteria: PM2, BP4

NM_003482.4(KMT2D):c.9445T>C (p.Ser3149Pro)

Gene: KMT2D (lysine methyltransferase 2D; minus strand). Cytogenetic location: 12q13.12.
Variant type: single nucleotide variant.
Coding change: c.9445T>C on transcript NM_003482.4 (MANE Select); coding-DNA position 9445, T replaced by C.
Protein change: p.Ser3149Pro; replaces serine 3149 with proline.
Molecular consequence: missense variant.
Genome position (GRCh38, 1-based): chr12:49,037,911, A>G on the plus strand (T>C on the coding strand, the complement: KMT2D is on the minus strand). VCF-style: chr12-49037911-A-G. GRCh37 (hg19) VCF-style: chr12-49431694-A-G.
Other names: short protein forms S3149P.
Identifiers: ClinVar variation 1690514 (VCV001690514.5), dbSNP rs2120487503, ClinGen allele CA384737892.